The following is an entry in ClinVar:

NM_007294.4(BRCA1):c.5193+9T>A

Gene: BRCA1 (BRCA1 DNA repair associated; minus strand). Cytogenetic location: 17q21.31.
Variant type: single nucleotide variant.
Coding change: c.5193+9T>A on transcript NM_007294.4 (MANE Select); 9 bases into the intron after coding-DNA position 5193, T replaced by A.
Molecular consequence: intron variant.
Genome position (GRCh38, 1-based): chr17:43,063,324, A>T on the plus strand (T>A on the coding strand, the complement: BRCA1 is on the minus strand). VCF-style: chr17-43063324-A-T. GRCh37 (hg19) VCF-style: chr17-41215341-A-T.
Other names: c.1740+9T>A (NM_001408458.1, NM_001408461.1, NM_001408464.1 and 7 more transcripts); c.4302+9T>A (NM_001407967.1); c.4812+9T>A (NM_001407959.1); c.4926+9T>A (NM_001407931.1, NM_001407932.1, NM_001407928.1 and 4 more transcripts); c.5049+9T>A (NM_001407747.1, NM_001407745.1, NM_001407737.1 and 21 more transcripts); c.4809+9T>A (NM_001407962.1, NM_001407960.1); c.1380+9T>A (NM_001408512.1); c.1503+9T>A (NM_001408510.1); and 72 more.
Identifiers: ClinVar variation 867469 (VCV000867469.3), dbSNP rs2051852129, ClinGen allele CA916080026.

Conditions:
Breast-ovarian cancer, familial, susceptibility to, 1 (BROVCA1). Also called: BRCA1 Hereditary Breast and Ovarian Cancer; OVARIAN CANCER, SUSCEPTIBILITY TO. Identifiers: Orphanet 145, MedGen C2676676, MONDO:0011450, OMIM 604370. Disease mechanism: loss of function.

Submission:

Brotman Baty Institute, University of Washington
No classification provided (evidence only). Condition: Breast-ovarian cancer, familial 1. Review status: no classification provided. Collection method: in vitro. Allele origin: not applicable. Functional consequence: functionally_normal.
ClinVar note: "not provided" was previously submitted as the classification for the variant. However, the classification appeared to be based only on an observation of functional data so it was converted to no classification on 2025-07-30.